The following is an entry in ClinVar:

NM_005430.4(WNT1):c.1064T>G (p.Val355Gly)

Gene: WNT1 (Wnt family member 1; plus strand). Cytogenetic location: 12q13.12.
Variant type: single nucleotide variant.
Coding change: c.1064T>G on transcript NM_005430.4 (MANE Select); coding-DNA position 1064, T replaced by G.
Protein change: p.Val355Gly; replaces valine 355 with glycine.
Molecular consequence: missense variant.
Genome position (GRCh38, 1-based): chr12:48,981,591, T>G. VCF-style: chr12-48981591-T-G. GRCh37 (hg19) VCF-style: chr12-49375374-T-G.
Other names: short protein forms V355G.
Identifiers: ClinVar variation 2120271 (VCV002120271.4), dbSNP rs922873456, ClinGen allele CA384639078.

ClinVar aggregate classification (germline): Uncertain significance (1 of 4 stars; one submission).

Submission:

Labcorp Genetics (formerly Invitae), Labcorp
Classification: Uncertain significance. Last evaluated: 2024-10-28. Review status: criteria provided, single submitter. Criteria: Invitae Variant Classification Sherloc (09022015). Collection method: clinical testing. Allele origin: germline.
Comment: This sequence change replaces valine, which is neutral and non-polar, with glycine, which is neutral and non-polar, at codon 355 of the WNT1 protein (p.Val355Gly). This variant is not present in population databases (gnomAD no frequency). This variant has not been reported in the literature in individuals affected with WNT1-related conditions. ClinVar contains an entry for this variant (Variation ID: 2120271). Invitae Evidence Modeling of protein sequence and biophysical properties (such as structural, functional, and spatial information, amino acid conservation, physicochemical variation, residue mobility, and thermodynamic stability) indicates that this missense variant is expected to disrupt WNT1 protein function with a positive predictive value of 80%. This variant disrupts the p.Val355 amino acid residue in WNT1. Other variant(s) that disrupt this residue have been determined to be pathogenic (PMID: 23434763, 25010833; internal data). This suggests that this residue is clinically significant, and that variants that disrupt this residue are likely to be disease-causing. In summary, the available evidence is currently insufficient to determine the role of this variant in disease. Therefore, it has been classified as a Variant of Uncertain Significance.

Literature cited by the submitters: PubMed 23434763; PubMed 25010833.